The following is an entry in ClinVar:

ClinVar aggregate classification (germline): Uncertain significance (1 of 4 stars; one submission).

Conditions:
Neurofibromatosis, type 1 (NF1). Also called: Neurofibromatosis, type I; VON RECKLINGHAUSEN DISEASE; Peripheral type neurofibromatosis; NEUROFIBROMATOSIS, TYPE I, SOMATIC. Identifiers: Orphanet 636, MedGen C0027831, MONDO:0018975, OMIM 162200. Disease mechanism: loss of function.

Allele frequency attached by ClinVar (database versions not stated): gnomAD exomes below 0.00001.
gnomAD v4.1: 1 of 1,613,762 alleles (0.000062%); highest among the groups gnomAD compares: South Asian, 0.0011%; no homozygotes.

Submission:

Labcorp Genetics (formerly Invitae), Labcorp
Classification: Uncertain significance for Neurofibromatosis, type 1. Last evaluated: 2023-08-10. Review status: criteria provided, single submitter. Criteria: Invitae Variant Classification Sherloc (09022015). Collection method: clinical testing. Allele origin: germline.
Comment: This sequence change replaces serine, which is neutral and polar, with proline, which is neutral and non-polar, at codon 636 of the NF1 protein (p.Ser636Pro). This variant is not present in population databases (gnomAD no frequency). This variant has not been reported in the literature in individuals affected with NF1-related conditions. ClinVar contains an entry for this variant (Variation ID: 848034). Advanced modeling of protein sequence and biophysical properties (such as structural, functional, and spatial information, amino acid conservation, physicochemical variation, residue mobility, and thermodynamic stability) performed at Invitae indicates that this missense variant is not expected to disrupt NF1 protein function. In summary, the available evidence is currently insufficient to determine the role of this variant in disease. Therefore, it has been classified as a Variant of Uncertain Significance.

NM_001042492.3(NF1):c.1906T>C (p.Ser636Pro)

Gene: NF1 (neurofibromin 1; plus strand). Cytogenetic location: 17q11.2.
Variant type: single nucleotide variant.
Coding change: c.1906T>C on transcript NM_001042492.3 (MANE Select); coding-DNA position 1906, T replaced by C.
Protein change: p.Ser636Pro; replaces serine 636 with proline.
Molecular consequence: missense variant.
Genome position (GRCh38, 1-based): chr17:31,225,155, T>C. VCF-style: chr17-31225155-T-C. GRCh37 (hg19) VCF-style: chr17-29552173-T-C.
Other names: c.1906T>C, p.Ser636Pro (NM_000267.4); short protein forms S636P.
Identifiers: ClinVar variation 848034 (VCV000848034.6), dbSNP rs2066991161, ClinGen allele CA399005251.